The following is an entry in ClinVar:

NM_000465.4(BARD1):c.439T>G (p.Phe147Val)

Gene: BARD1 (BRCA1 associated RING domain 1; minus strand). Cytogenetic location: 2q35.
Variant type: single nucleotide variant.
Coding change: c.439T>G on transcript NM_000465.4 (MANE Select); coding-DNA position 439, T replaced by G.
Protein change: p.Phe147Val; replaces phenylalanine 147 with valine.
Molecular consequence: missense variant. On other transcripts: non-coding transcript variant (2), intron variant (3).
Genome position (GRCh38, 1-based): chr2:214,781,435, A>C on the plus strand (T>G on the coding strand, the complement: BARD1 is on the minus strand). VCF-style: chr2-214781435-A-C. GRCh37 (hg19) VCF-style: chr2-215646159-A-C.
Other names: c.382T>G, p.Phe128Val (NM_001282543.2); c.158+27977T>G (NM_001282548.2); c.215+15626T>G (NM_001282545.2); c.364+10862T>G (NM_001282549.2); short protein forms F128V, F147V.
Identifiers: ClinVar variation 1714889 (VCV001714889.5), dbSNP rs876658313, ClinGen allele CA350457755.

ClinVar aggregate classification (germline): Uncertain significance (1 of 4 stars; one submission).

Conditions:
Familial cancer of breast. Also called: Hereditary breast cancer; BREAST CANCER, FAMILIAL; hereditary breast carcinoma. Identifiers: Orphanet 227535, MedGen C0346153, MONDO:0016419, OMIM 114480. Disease mechanism: loss of function.

Submission:

Labcorp Genetics (formerly Invitae), Labcorp
Classification: Uncertain significance for Familial cancer of breast. Last evaluated: 2022-07-15. Review status: criteria provided, single submitter. Criteria: Invitae Variant Classification Sherloc (09022015). Collection method: clinical testing. Allele origin: germline.
Comment: Algorithms developed to predict the effect of missense changes on protein structure and function (SIFT, PolyPhen-2, Align-GVGD) all suggest that this variant is likely to be disruptive. In summary, the available evidence is currently insufficient to determine the role of this variant in disease. Therefore, it has been classified as a Variant of Uncertain Significance. This variant has not been reported in the literature in individuals affected with BARD1-related conditions. This variant is not present in population databases (gnomAD no frequency). This sequence change replaces phenylalanine, which is neutral and non-polar, with valine, which is neutral and non-polar, at codon 147 of the BARD1 protein (p.Phe147Val).